The following is an entry in ClinVar:

NM_001312909.2(FAM111A):c.80C>T (p.Pro27Leu)

Gene: FAM111A (FAM111 trypsin like peptidase A; plus strand). Cytogenetic location: 11q12.1.
Variant type: single nucleotide variant.
Coding change: c.80C>T on transcript NM_001312909.2 (MANE Select); coding-DNA position 80, C replaced by T.
Protein change: p.Pro27Leu; replaces proline 27 with leucine.
Molecular consequence: missense variant.
Genome position (GRCh38, 1-based): chr11:59,148,952, C>T. VCF-style: chr11-59148952-C-T. GRCh37 (hg19) VCF-style: chr11-58916425-C-T.
Other names: c.80C>T, p.Pro27Leu (NM_001142519.3, NM_001142520.3, NM_001142521.3 and 29 more transcripts); c.80C>T (NM_001142520.1); short protein forms P27L.
Identifiers: ClinVar variation 2169017 (VCV002169017.6), dbSNP rs142539088, ClinGen allele CA6016482.
Genomic context (GRCh38, chr11:59,148,952, plus strand): 5'-GGTCACGGAAGCACTCAGTCAATGAAAAATGTAATATGAAAATCGAGCACTATTTTTCTC[C>T]GGTATGTCTGTAAATTCTACTTATGTAATCTAGTCATCCCTTGGTATCCATGTGAGATTT-3'
Protein context (NP_001299838.1, residues 17-37): CNMKIEHYFS[Pro27Leu]VSKEQQNNCS

ClinVar aggregate classification (germline): Conflicting classifications of pathogenicity. Review status: criteria provided, conflicting classifications (1 of 4 stars). 2 submissions from 2 submitters: Uncertain significance (1); Likely benign (1). Last evaluated 2024-10-30.

Conditions:
Inborn genetic diseases. Identifiers: MedGen C0950123, MeSH D030342.

Allele frequency attached by ClinVar (database versions not stated): TOPMed 0.00008; gnomAD 0.00009; ESP Exome Variant Server 0.00031.
gnomAD v4.1: 189 of 1,606,626 alleles (0.012%); highest among the groups gnomAD compares: Admixed American, 0.017%; no homozygotes.

Submissions (2):

Labcorp Genetics (formerly Invitae), Labcorp
Classification: Uncertain significance. Last evaluated: 2024-10-30. Review status: criteria provided, single submitter. Criteria: Invitae Variant Classification Sherloc (09022015). Collection method: clinical testing. Allele origin: germline.
Comment: This sequence change replaces proline, which is neutral and non-polar, with leucine, which is neutral and non-polar, at codon 27 of the FAM111A protein (p.Pro27Leu). This variant is present in population databases (rs142539088, gnomAD 0.01%). This variant has not been reported in the literature in individuals affected with FAM111A-related conditions. ClinVar contains an entry for this variant (Variation ID: 2169017). An algorithm developed to predict the effect of missense changes on protein structure and function (PolyPhen-2) suggests that this variant is likely to be tolerated. Algorithms developed to predict the effect of sequence changes on RNA splicing suggest that this variant may disrupt the consensus splice site. In summary, the available evidence is currently insufficient to determine the role of this variant in disease. Therefore, it has been classified as a Variant of Uncertain Significance.

Ambry Genetics
Classification: Likely benign for Inborn genetic diseases. Last evaluated: 2023-04-13. Review status: criteria provided, single submitter. Criteria: Ambry Variant Classification Scheme 2023. Collection method: clinical testing. Allele origin: germline.